The following is an entry in ClinVar:

ClinVar aggregate classification (germline): Uncertain significance. Review status: criteria provided, multiple submitters, no conflicts (2 of 4 stars). 2 submissions from 2 submitters: Uncertain significance (2). Last evaluated 2025-03-13.

Conditions:
Familial focal epilepsy with variable foci (FPEVF). Identifiers: Orphanet 98820, MedGen C1858477, MONDO:0020310.

Allele frequency attached by ClinVar (database versions not stated): gnomAD exomes below 0.00001; gnomAD 0.00001.
gnomAD v4.1: 6 of 1,610,412 alleles (0.00037%); highest among the groups gnomAD compares: African/African-American, 0.0027%; no homozygotes.

Submissions (2):

Labcorp Genetics (formerly Invitae), Labcorp
Classification: Uncertain significance for Familial focal epilepsy with variable foci. Last evaluated: 2025-03-13. Review status: criteria provided, single submitter. Criteria: Invitae Variant Classification Sherloc (09022015). Collection method: clinical testing. Allele origin: germline.
Comment: This sequence change replaces glutamine, which is neutral and polar, with arginine, which is basic and polar, at codon 1232 of the DEPDC5 protein (p.Gln1232Arg). This variant is present in population databases (no rsID available, gnomAD 0.0009%). This variant has not been reported in the literature in individuals affected with DEPDC5-related conditions. ClinVar contains an entry for this variant (Variation ID: 837620). Experimental studies and prediction algorithms are not available or were not evaluated, and the functional significance of this variant is currently unknown. In summary, the available evidence is currently insufficient to determine the role of this variant in disease. Therefore, it has been classified as a Variant of Uncertain Significance.

GeneDx
Classification: Uncertain significance. Last evaluated: 2020-02-26. Review status: criteria provided, single submitter. Criteria: GeneDx Variant Classification Process June 2021. Collection method: clinical testing. Allele origin: germline. Affected: yes.
Comment: Not observed at a significant frequency in large population cohorts (Lek et al., 2016); In silico analysis supports that this missense variant does not alter protein structure/function; Has not been previously published as pathogenic or benign to our knowledge

NM_001242896.3(DEPDC5):c.3695A>G (p.Gln1232Arg)

Gene: DEPDC5 (DEP domain containing 5, GATOR1 subcomplex subunit; plus strand). Cytogenetic location: 22q12.3.
Variant type: single nucleotide variant.
Coding change: c.3695A>G on transcript NM_001242896.3 (MANE Select); coding-DNA position 3695, A replaced by G.
Protein change: p.Gln1232Arg; replaces glutamine 1232 with arginine.
Molecular consequence: missense variant. On other transcripts: non-coding transcript variant (4).
Genome position (GRCh38, 1-based): chr22:31,874,404, A>G. VCF-style: chr22-31874404-A-G. GRCh37 (hg19) VCF-style: chr22-32270390-A-G.
Other names: c.3668A>G, p.Gln1223Arg (NM_001136029.4); c.3395A>G, p.Gln1132Arg (NM_001242897.2); c.3629A>G, p.Gln1210Arg (NM_001363852.2, NM_001364320.2); c.3461A>G, p.Gln1154Arg (NM_001363854.2, NM_001364319.2); c.3695A>G, p.Gln1232Arg (NM_001364318.2); c.3611A>G, p.Gln1204Arg (NM_001369901.1, NM_001369902.1); c.3602A>G, p.Gln1201Arg (NM_001369903.1, NM_014662.6); short protein forms Q1132R, Q1154R, Q1201R, Q1204R, Q1232R, Q1210R, Q1223R.
Identifiers: ClinVar variation 837620 (VCV000837620.9), dbSNP rs1161767456, ClinGen allele CA411278300.